The following is an entry in ClinVar:

NM_001001557.4(GDF6):c.181G>C (p.Gly61Arg)

Gene: GDF6 (growth differentiation factor 6; minus strand). Cytogenetic location: 8q22.1.
Variant type: single nucleotide variant.
Coding change: c.181G>C on transcript NM_001001557.4 (MANE Select); coding-DNA position 181, G replaced by C.
Protein change: p.Gly61Arg; replaces glycine 61 with arginine.
Molecular consequence: missense variant.
Genome position (GRCh38, 1-based): chr8:96,160,512, C>G on the plus strand (G>C on the coding strand, the complement: GDF6 is on the minus strand). VCF-style: chr8-96160512-C-G. GRCh37 (hg19) VCF-style: chr8-97172740-C-G.
Other names: short protein forms G61R.
Identifiers: ClinVar variation 4028999 (VCV004028999.2).

ClinVar aggregate classification (germline): Uncertain significance. Review status: criteria provided, multiple submitters, no conflicts (2 of 4 stars). 2 submissions from 2 submitters: Uncertain significance (2). Last evaluated 2025-11-13.

Conditions:
Klippel-Feil syndrome 1, autosomal dominant (KFS1). Also called: CERVICAL VERTEBRAL FUSION, AUTOSOMAL DOMINANT. Identifiers: Orphanet 2345, MedGen C1861689, MONDO:0007306, OMIM 118100.
Isolated microphthalmia 4. Identifiers: Orphanet 2542, MedGen C2751307, MONDO:0013130, OMIM 613094.
Microphthalmia, isolated, with coloboma 6 (MCOPCB6). Also called: MICROPHTHALMIA/COLOBOMA 6; Microphthalmia with coloboma 6, digenic; Microphthalmia with coloboma 6. Identifiers: Orphanet 98938, MedGen C3150968, MONDO:0013376, OMIM 613703.
Leber congenital amaurosis 17 (LCA17). Identifiers: Orphanet 65, MedGen C3715164, MONDO:0014145, OMIM 615360.
Inborn genetic diseases. Identifiers: MedGen C0950123, MeSH D030342.

gnomAD v4.1: 5 of 1,613,174 alleles (0.00031%); highest among the groups gnomAD compares: African/African-American, 0.0053%; no homozygotes.

Submissions (2):

Labcorp Genetics (formerly Invitae), Labcorp
Classification: Uncertain significance for Isolated microphthalmia 4; Leber congenital amaurosis 17; Klippel-Feil syndrome 1, autosomal dominant; Microphthalmia, isolated, with coloboma 6. Last evaluated: 2025-11-13. Review status: criteria provided, single submitter. Criteria: Invitae Variant Classification Sherloc (09022015). Collection method: clinical testing. Allele origin: germline.
Comment: This sequence change replaces glycine, which is neutral and non-polar, with arginine, which is basic and polar, at codon 61 of the GDF6 protein (p.Gly61Arg). This variant is present in population databases (rs773393980, gnomAD 0.01%). This variant has not been reported in the literature in individuals affected with GDF6-related conditions. ClinVar contains an entry for this variant (Variation ID: 4028999). An algorithm developed to predict the effect of missense changes on protein structure and function (PolyPhen-2) suggests that this variant is likely to be tolerated. In summary, the available evidence is currently insufficient to determine the role of this variant in disease. Therefore, it has been classified as a Variant of Uncertain Significance.

Ambry Genetics
Classification: Uncertain significance for Inborn genetic diseases. Last evaluated: 2025-05-05. Review status: criteria provided, single submitter. Criteria: Ambry Variant Classification Scheme 2023. Collection method: clinical testing. Allele origin: germline.